The following is an entry in ClinVar:

ClinVar aggregate classification (germline): Uncertain significance (1 of 4 stars; one submission).

Conditions:
Inflammatory bowel disease. Identifiers: Orphanet 104012, MedGen C0021390, MONDO:0005265.

Allele frequency attached by ClinVar (database versions not stated): gnomAD exomes 0.00011; ExAC 0.00012; gnomAD 0.00038; TOPMed 0.00050; ESP Exome Variant Server 0.00054; 1000 Genomes Project 0.00060; 1000 Genomes Project 30x 0.00062.
gnomAD v4.1: 105 of 1,614,166 alleles (0.0065%); highest among the groups gnomAD compares: African/African-American, 0.12%; no homozygotes.

Submission:

Labcorp Genetics (formerly Invitae), Labcorp
Classification: Uncertain significance for Inflammatory bowel disease. Last evaluated: 2025-01-13. Review status: criteria provided, single submitter. Criteria: Invitae Variant Classification Sherloc (09022015). Collection method: clinical testing. Allele origin: germline.
Comment: This sequence change replaces proline, which is neutral and non-polar, with serine, which is neutral and polar, at codon 20 of the IL10 protein (p.Pro20Ser). This variant is present in population databases (rs141219090, gnomAD 0.1%). This variant has not been reported in the literature in individuals affected with IL10-related conditions. ClinVar contains an entry for this variant (Variation ID: 526788). An algorithm developed to predict the effect of missense changes on protein structure and function outputs the following: PolyPhen-2: "Benign". The serine amino acid residue is found in multiple mammalian species, which suggests that this missense change does not adversely affect protein function. In summary, the available evidence is currently insufficient to determine the role of this variant in disease. Therefore, it has been classified as a Variant of Uncertain Significance.

NM_000572.3(IL10):c.58C>T (p.Pro20Ser)

Genes: IL10 (interleukin 10; minus strand), IL19 (interleukin 19; plus strand), LOC128462409 (CRISPRi-FlowFISH-validated IL10 regulatory element GRCh37_chr1:206945468-206946089; plus strand). Cytogenetic location: 1q32.1.
Variant type: single nucleotide variant.
Coding change: c.58C>T on transcript NM_000572.3 (MANE Select); coding-DNA position 58, C replaced by T.
Protein change: p.Pro20Ser; replaces proline 20 with serine.
Molecular consequence: missense variant. On other transcripts: non-coding transcript variant (1), intron variant (2).
Genome position (GRCh38, 1-based): chr1:206,772,378, G>A on the plus strand (C>T on the coding strand, the complement: IL10 is on the minus strand). VCF-style: chr1-206772378-G-A. GRCh37 (hg19) VCF-style: chr1-206945723-G-A.
Other names: c.-149+1300G>A (NM_153758.5); c.-149+1548G>A (NM_001393490.1); short protein forms P20S.
Identifiers: ClinVar variation 526788 (VCV000526788.7), dbSNP rs141219090, ClinGen allele CA1363850.
Genomic context (GRCh38, chr1:206,772,378, plus strand): 5'-TGTTAGGCAGGTTGCCTGGGAAGTGGGTGCAGCTGTTCTCAGACTGGGTGCCCTGGCCTG[G>A]GCTGGCCCTCACCCCAGTCAGGAGGACCAGGCAACAGAGCAGTGCTGAGCTGTGCATGCC-3'
Protein context (NP_000563.1, residues 10-30): LVLLTGVRAS[Pro20Ser]GQGTQSENSC